The following is an entry in ClinVar:

ClinVar aggregate classification (germline): Pathogenic (1 of 4 stars; one submission).

Submission:

Genetic Services Laboratory, University of Chicago
Classification: Pathogenic. Last evaluated: 2025-12-16. Review status: criteria provided, single submitter. Criteria: ACMG Guidelines, 2015. Collection method: clinical testing. Allele origin: germline.
Comment: The c.1145_1149del variant: Is a 5 base pair deletion in exon 3. Results in an amino acid frameshift and creates a premature stop codon 31 amino acids downstream of the change, p.Arg382Glnfs*32. Predicted to result in an abnormal transcript, which may be degraded, or may lead to the production of a truncated MYCN protein with potentially abnormal function. Has not been described in the literature in individuals with MYCN-related disorders. However, loss-of-function variants in the MYCN gene are known to be pathogenic (PMID: 20301770). Has not been described in population databases such as gnomAD v4. ClinVar does not contain an entry for this variant. Collectively this evidence indicates that this variant is pathogenic; however functional studies have not been performed to prove this conclusively.

NM_005378.6(MYCN):c.1145_1149del (p.Arg382fs)

Gene: MYCN (MYCN proto-oncogene, bHLH transcription factor; plus strand). Cytogenetic location: 2p24.3.
Variant type: Deletion.
Coding change: c.1145_1149del on transcript NM_005378.6 (MANE Select); coding-DNA positions 1145 to 1149, 5 bases deleted (GTCGC; older notation c.1145_1149delGTCGC).
Protein change: p.Arg382fs; shifts the reading frame from arginine 382.
Molecular consequence: frameshift variant. On other transcripts: 3 prime UTR variant (1).
Genome position (GRCh38, 1-based): chr2:15,945,847-15,945,851, GTCGC deleted; deleting any 5 consecutive bases within chr2:15,945,845-15,945,851 gives the same sequence; the c. name uses the placement nearest the transcript's 3' end. VCF-style (leftmost placement, unchanged base first): chr2-15945844-AGCGTC-A. GRCh37 (hg19) VCF-style: chr2-16085966-AGCGTC-A.
Other names: c.1145_1149del, p.Arg382fs (NM_001293228.2); c.512_516del, p.Arg171fs (NM_001293231.2); c.*1080_*1084del (NM_001293233.2); c.1145_1149del (NM_005378.5); short protein forms R171fs, R382fs.
Identifiers: ClinVar variation 5010233 (VCV005010233.1).